The following is an entry in ClinVar:

NM_001805.4(CEBPE):c.302C>T (p.Ala101Val)

Gene: CEBPE (CCAAT enhancer binding protein epsilon; minus strand). Cytogenetic location: 14q11.2.
Variant type: single nucleotide variant.
Coding change: c.302C>T on transcript NM_001805.4 (MANE Select); coding-DNA position 302, C replaced by T.
Protein change: p.Ala101Val; replaces alanine 101 with valine.
Molecular consequence: missense variant.
Genome position (GRCh38, 1-based): chr14:23,118,790, G>A on the plus strand (C>T on the coding strand, the complement: CEBPE is on the minus strand). VCF-style: chr14-23118790-G-A. GRCh37 (hg19) VCF-style: chr14-23587999-G-A.
Other names: short protein forms A101V.
Identifiers: ClinVar variation 2187427 (VCV002187427.2), dbSNP rs762247760, ClinGen allele CA7111242.
Genomic context (GRCh38, chr14:23,118,790, plus strand): 5'-TTCACCGCCACAGCCCTGGGGTCGTAGCTCCCTGGGCTGCTGTAGATGCCAGGCCCCAGC[G>A]CCTTCCTGTCTGGGCCGAAGGTATGTGGAGGGTAGGCAAAGGGCCGAGGGTCAGGCGGCA-3'
Protein context (NP_001796.2, residues 91-111): PPHTFGPDRK[Ala101Val]LGPGIYSSPG

ClinVar aggregate classification (germline): Uncertain significance. Review status: criteria provided, multiple submitters, no conflicts (2 of 4 stars). 2 submissions from 2 submitters: Uncertain significance (2). Last evaluated 2024-11-12.

Conditions:
Specific granule deficiency. Identifiers: Orphanet 169142, MedGen C0398593, MONDO:0009506.
Inborn genetic diseases. Identifiers: MedGen C0950123, MeSH D030342.

Allele frequency attached by ClinVar (database versions not stated): TOPMed below 0.00001; ExAC 0.00001.

Submissions (2):

Ambry Genetics
Classification: Uncertain significance for Inborn genetic diseases. Last evaluated: 2024-11-12. Review status: criteria provided, single submitter. Criteria: Ambry Variant Classification Scheme 2023. Collection method: clinical testing. Allele origin: germline.

Labcorp Genetics (formerly Invitae), Labcorp
Classification: Uncertain significance for Specific granule deficiency. Last evaluated: 2022-06-10. Review status: criteria provided, single submitter. Criteria: Invitae Variant Classification Sherloc (09022015). Collection method: clinical testing. Allele origin: germline.
Comment: This sequence change replaces alanine, which is neutral and non-polar, with valine, which is neutral and non-polar, at codon 101 of the CEBPE protein (p.Ala101Val). This variant is present in population databases (rs762247760, gnomAD 0.006%). This variant has not been reported in the literature in individuals affected with CEBPE-related conditions. Algorithms developed to predict the effect of missense changes on protein structure and function output the following: SIFT: "Deleterious"; PolyPhen-2: "Benign"; Align-GVGD: "Class C15". The valine amino acid residue is found in multiple mammalian species, which suggests that this missense change does not adversely affect protein function. In summary, the available evidence is currently insufficient to determine the role of this variant in disease. Therefore, it has been classified as a Variant of Uncertain Significance.